The following is an entry in ClinVar:

NM_000138.5(FBN1):c.7571-13C>G

Gene: FBN1 (fibrillin 1; minus strand). Cytogenetic location: 15q21.1.
Variant type: single nucleotide variant.
Coding change: c.7571-13C>G on transcript NM_000138.5 (MANE Select); 13 bases into the intron before coding-DNA position 7571, C replaced by G.
Molecular consequence: intron variant.
Genome position (GRCh38, 1-based): chr15:48,421,699, G>C on the plus strand (C>G on the coding strand, the complement: FBN1 is on the minus strand). VCF-style: chr15-48421699-G-C. GRCh37 (hg19) VCF-style: chr15-48713896-G-C.
Other names: c.7571-13C>G (NM_001406716.1).
Identifiers: ClinVar variation 2949704 (VCV002949704.3), dbSNP rs752468560, ClinGen allele CA2740096617.

ClinVar aggregate classification (germline): Uncertain significance (1 of 4 stars; one submission).

Conditions:
Marfan syndrome (MFS). Also called: MARFAN SYNDROME, TYPE I; Marfan syndrome type 1; Marfan's syndrome; Marfan syndrome, classic; FBN1-Related Marfan Syndrome. Identifiers: Orphanet 284963, Orphanet 558, MedGen C0024796, MONDO:0007947, OMIM 154700.
Familial thoracic aortic aneurysm and aortic dissection (TAAD). Also called: Thoracic aortic aneurysms and dissections. Identifiers: Orphanet 91387, MedGen C4707243, MONDO:0019625.

Submission:

Labcorp Genetics (formerly Invitae), Labcorp
Classification: Uncertain significance for Marfan syndrome; Familial thoracic aortic aneurysm and aortic dissection. Last evaluated: 2024-04-03. Review status: criteria provided, single submitter. Criteria: Invitae Variant Classification Sherloc (09022015). Collection method: clinical testing. Allele origin: germline.
Comment: This sequence change falls in intron 61 of the FBN1 gene. It does not directly change the encoded amino acid sequence of the FBN1 protein. This variant is not present in population databases (gnomAD no frequency). This variant has not been reported in the literature in individuals affected with FBN1-related conditions. Algorithms developed to predict the effect of sequence changes on RNA splicing suggest that this variant may disrupt the consensus splice site. In summary, the available evidence is currently insufficient to determine the role of this variant in disease. Therefore, it has been classified as a Variant of Uncertain Significance.